The following is an entry in ClinVar:

NM_001134407.3(GRIN2A):c.829A>G (p.Ile277Val)

Gene: GRIN2A (glutamate ionotropic receptor NMDA type subunit 2A; minus strand). Cytogenetic location: 16p13.2.
Variant type: single nucleotide variant.
Coding change: c.829A>G on transcript NM_001134407.3 (MANE Select); coding-DNA position 829, A replaced by G.
Protein change: p.Ile277Val; replaces isoleucine 277 with valine.
Molecular consequence: missense variant.
Genome position (GRCh38, 1-based): chr16:9,938,137, T>C on the plus strand (A>G on the coding strand, the complement: GRIN2A is on the minus strand). VCF-style: chr16-9938137-T-C. GRCh37 (hg19) VCF-style: chr16-10031994-T-C.
Other names: c.829A>G, p.Ile277Val (NM_000833.5, NM_001134408.2); short protein forms I277V.
Identifiers: ClinVar variation 835962 (VCV000835962.8), dbSNP rs376979811, ClinGen allele CA7896889.

ClinVar aggregate classification (germline): Uncertain significance (1 of 4 stars; one submission).

Conditions:
Landau-Kleffner syndrome (FESD). Also called: APHASIA, ACQUIRED, WITH EPILEPSY; EPILEPSY, FOCAL, WITH SPEECH DISORDER AND WITH OR WITHOUT MENTAL RETARDATION. Identifiers: Orphanet 1945, Orphanet 725, Orphanet 98818, MedGen C0282512, MONDO:0009509, OMIM 245570.

Allele frequency attached by ClinVar (database versions not stated): gnomAD exomes 0.00002 and below 0.00001; TOPMed 0.00003; ESP Exome Variant Server 0.00008; gnomAD 0.00004 and 0.00005; ExAC 0.00001.
gnomAD v4.1: 29 of 1,613,988 alleles (0.0018%); highest among the groups gnomAD compares: Non-Finnish European, 0.0025%; no homozygotes.

Submission:

Labcorp Genetics (formerly Invitae), Labcorp
Classification: Uncertain significance for Landau-Kleffner syndrome. Last evaluated: 2025-12-19. Review status: criteria provided, single submitter. Criteria: Invitae Variant Classification Sherloc (09022015). Collection method: clinical testing. Allele origin: germline.
Comment: This sequence change replaces isoleucine, which is neutral and non-polar, with valine, which is neutral and non-polar, at codon 277 of the GRIN2A protein (p.Ile277Val). This variant is present in population databases (rs376979811, gnomAD 0.002%). This variant has not been reported in the literature in individuals affected with GRIN2A-related conditions. ClinVar contains an entry for this variant (Variation ID: 835962). Invitae Evidence Modeling of protein sequence and biophysical properties (such as structural, functional, and spatial information, amino acid conservation, physicochemical variation, residue mobility, and thermodynamic stability) indicates that this missense variant is not expected to disrupt GRIN2A protein function with a negative predictive value of 95%. In summary, the available evidence is currently insufficient to determine the role of this variant in disease. Therefore, it has been classified as a Variant of Uncertain Significance.